The following is an entry in ClinVar:

NM_000618.5(IGF1):c.352G>C (p.Ala118Pro)

Genes: IGF1 (insulin like growth factor 1; minus strand), LINC02456 (long intergenic non-protein coding RNA 2456; plus strand). Cytogenetic location: 12q23.2.
Variant type: single nucleotide variant.
Coding change: c.352G>C on transcript NM_000618.5 (MANE Select); coding-DNA position 352, G replaced by C.
Protein change: p.Ala118Pro; replaces alanine 118 with proline.
Molecular consequence: missense variant.
Genome position (GRCh38, 1-based): chr12:102,419,559, C>G on the plus strand (G>C on the coding strand, the complement: IGF1 is on the minus strand). VCF-style: chr12-102419559-C-G. GRCh37 (hg19) VCF-style: chr12-102813337-C-G.
Other names: c.352G>C, p.Ala118Pro (NM_001111283.3, NM_001111285.3, NM_001414005.1 and 1 more transcripts); c.304G>C, p.Ala102Pro (NM_001111284.2, NM_001414006.1); short protein forms A102P, A118P.
Identifiers: ClinVar variation 2505718 (VCV002505718.1), dbSNP rs151098426, ClinGen allele CA6748563.

ClinVar aggregate classification (germline): Uncertain significance (1 of 4 stars; one submission).

gnomAD v4.1: 13 of 1,613,808 alleles (0.00081%); highest among the groups gnomAD compares: Admixed American, 0.0017%; no homozygotes.

Submission:

GeneDx
Classification: Uncertain significance. Last evaluated: 2022-12-13. Review status: criteria provided, single submitter. Criteria: GeneDx Variant Classification Process June 2021. Collection method: clinical testing. Allele origin: germline. Affected: yes.
Comment: In silico analysis supports that this missense variant does not alter protein structure/function; Has not been previously published as pathogenic or benign to our knowledge